The following is an entry in ClinVar:

ClinVar aggregate classification (germline): Uncertain significance (1 of 4 stars; one submission).

Conditions:
Multiple endocrine neoplasia, type 2 (MEN2). Identifiers: Orphanet 653, MedGen C4048306, MONDO:0019003. Disease mechanism: gain of function.

Submission:

Labcorp Genetics (formerly Invitae), Labcorp
Classification: Uncertain significance for Multiple endocrine neoplasia, type 2. Last evaluated: 2021-12-17. Review status: criteria provided, single submitter. Criteria: Invitae Variant Classification Sherloc (09022015). Collection method: clinical testing. Allele origin: germline.
Comment: This variant has not been reported in the literature in individuals affected with RET-related conditions. In summary, the available evidence is currently insufficient to determine the role of this variant in disease. Therefore, it has been classified as a Variant of Uncertain Significance. Algorithms developed to predict the effect of missense changes on protein structure and function output the following: SIFT: "Tolerated"; PolyPhen-2: "Benign"; Align-GVGD: "Class C0". The threonine amino acid residue is found in multiple mammalian species, which suggests that this missense change does not adversely affect protein function. This variant is not present in population databases (gnomAD no frequency). This sequence change replaces serine, which is neutral and polar, with threonine, which is neutral and polar, at codon 220 of the RET protein (p.Ser220Thr).

NM_020975.6(RET):c.659G>C (p.Ser220Thr)

Gene: RET (ret proto-oncogene; plus strand). Cytogenetic location: 10q11.21.
Variant type: single nucleotide variant.
Coding change: c.659G>C on transcript NM_020975.6 (MANE Select); coding-DNA position 659, G replaced by C.
Protein change: p.Ser220Thr; replaces serine 220 with threonine.
Molecular consequence: missense variant.
Genome position (GRCh38, 1-based): chr10:43,104,985, G>C. VCF-style: chr10-43104985-G-C. GRCh37 (hg19) VCF-style: chr10-43600433-G-C.
Other names: c.659G>C, p.Ser220Thr (NM_000323.2, NM_001406743.1, NM_001406744.1 and 8 more transcripts); c.-104G>C (NM_001355216.2); c.530G>C, p.Ser177Thr (NM_001406761.1, NM_001406762.1, NM_001406764.1 and 2 more transcripts); c.371G>C, p.Ser124Thr (NM_001406766.1, NM_001406767.1, NM_001406770.1); short protein forms S124T, S177T, S220T.
Identifiers: ClinVar variation 1966010 (VCV001966010.5), dbSNP rs1182941467, ClinGen allele CA376544411.